The following is an entry in ClinVar:

ClinVar aggregate classification (germline): Benign/Likely benign (0 of 4 stars; one submission).

Submission:

ISCA Site 6
Classification: Benign/Likely benign. Review status: no assertion criteria provided. Collection method: clinical testing. Allele origin: unknown. Affected: yes. Observed: 8 variant alleles. Clinical features observed: Developmental delay AND/OR other significant developmental or morphological phenotypes.
Comment: Likely benign (3), Benign (5)

Copy number variation identified through the course of routine clinical cytogenomic testing in postnatal populations, with clinical assertions as classified by the original submitter. For data from the original published study, Kaminsky, et al. 2011 (PubMed 21844811), please see nstd101.

GRCh37/hg19 22q11.23(chr22:24640758-24658565)x3

Gene: GGT5 (gamma-glutamyltransferase 5; minus strand). Cytogenetic location: 22q11.23.
Variant type: copy number gain.
Change: copy number 3 (three copies instead of two) of chr22:24,640,758-24,658,565 (17.8 kb, GRCh37 coordinates, 1-based), cytogenetic band 22q11.23.
Identifiers: ClinVar variation 393735 (VCV000393735.3).